The following is an entry in ClinVar:

ClinVar aggregate classification (germline): Likely benign. Review status: criteria provided, multiple submitters, no conflicts (2 of 4 stars). 2 submissions from 2 submitters: Likely benign (2). Last evaluated 2025-09-10.

Conditions:
ASCC3-related condition.

Submissions (2):

PreventionGenetics, part of Exact Sciences
Classification: Likely benign for ASCC3-related condition. Last evaluated: 2025-09-10. Review status: criteria provided, single submitter. Criteria: ACMG Guidelines, 2015. Collection method: clinical testing. Allele origin: germline.
Comment: This variant is classified as likely benign based on ACMG/AMP sequence variant interpretation guidelines (Richards et al. 2015 PMID: 25741868, with internal and published modifications).

Blueprint Genetics
Classification: Likely benign. Last evaluated: 2024-09-13. Review status: criteria provided, single submitter. Criteria: ACMG Guidelines, 2015. Collection method: clinical testing. Allele origin: germline.

NM_006828.4(ASCC3):c.2931C>G (p.Ser977=)

Gene: ASCC3 (activating signal cointegrator 1 complex subunit 3; minus strand). Cytogenetic location: 6q16.3.
Variant type: single nucleotide variant.
Coding change: c.2931C>G on transcript NM_006828.4 (MANE Select); coding-DNA position 2931, C replaced by G.
Protein change: p.Ser977=; no amino-acid change (serine 977 retained).
Molecular consequence: synonymous variant.
Genome position (GRCh38, 1-based): chr6:100,652,782, G>C on the plus strand (C>G on the coding strand, the complement: ASCC3 is on the minus strand). VCF-style: chr6-100652782-G-C. GRCh37 (hg19) VCF-style: chr6-101100658-G-C.
Other names: c.2931C>G (NM_006828.3).
Identifiers: ClinVar variation 4893567 (VCV004893567.2).
Genomic context (GRCh38, chr6:100,652,782, plus strand): 5'-TACCTCAATGGTGTTGTATTTAATATAGTAATGGCTGGCAGTTCTACCCAAATCAGTTGA[G>C]GAAAAATATCCAGTTCGCTCCTCAAAACGAATCATCTGAGCTTTGTCTAGTTTTCGTCCA-3'
Protein context (NP_006819.2, residues 967-987): IRFEERTGYF[Ser977=]STDLGRTASH